The following is an entry in ClinVar:

ClinVar aggregate classification (germline): Uncertain significance (1 of 4 stars; one submission).

Allele frequency attached by ClinVar (database versions not stated): gnomAD exomes below 0.00001.
gnomAD v4.1: 3 of 1,614,184 alleles (0.00019%); highest among the groups gnomAD compares: Non-Finnish European, 0.00025%; no homozygotes.

Submission:

Labcorp Genetics (formerly Invitae), Labcorp
Classification: Uncertain significance. Last evaluated: 2023-11-18. Review status: criteria provided, single submitter. Criteria: Invitae Variant Classification Sherloc (09022015). Collection method: clinical testing. Allele origin: germline.
Comment: This sequence change replaces threonine, which is neutral and polar, with alanine, which is neutral and non-polar, at codon 897 of the ERBIN protein (p.Thr897Ala). This variant is not present in population databases (gnomAD no frequency). This variant has not been reported in the literature in individuals affected with ERBIN-related conditions. ClinVar contains an entry for this variant (Variation ID: 1463237). Algorithms developed to predict the effect of missense changes on protein structure and function output the following: SIFT: "Not Available"; PolyPhen-2: "Benign"; Align-GVGD: "Not Available". The alanine amino acid residue is found in multiple mammalian species, which suggests that this missense change does not adversely affect protein function. In summary, the available evidence is currently insufficient to determine the role of this variant in disease. Therefore, it has been classified as a Variant of Uncertain Significance.

NM_001253697.2(ERBIN):c.2689A>G (p.Thr897Ala)

Gene: ERBIN (erbb2 interacting protein; plus strand). Cytogenetic location: 5q12.3.
Variant type: single nucleotide variant.
Coding change: c.2689A>G on transcript NM_001253697.2 (MANE Select); coding-DNA position 2689, A replaced by G.
Protein change: p.Thr897Ala; replaces threonine 897 with alanine.
Molecular consequence: missense variant.
Genome position (GRCh38, 1-based): chr5:66,054,007, A>G. VCF-style: chr5-66054007-A-G. GRCh37 (hg19) VCF-style: chr5-65349835-A-G.
Other names: c.2689A>G, p.Thr897Ala (NM_001006600.3, NM_001253698.2, NM_001253699.2 and 1 more transcripts); c.2677A>G, p.Thr893Ala (NM_001253701.2); short protein forms T893A, T897A.
Identifiers: ClinVar variation 1463237 (VCV001463237.6), dbSNP rs1759322688, ClinGen allele CA359867421.